The following is an entry in ClinVar:

ClinVar aggregate classification (germline): Pathogenic (1 of 4 stars; one submission).

Submission:

GeneDx
Classification: Pathogenic. Last evaluated: 2017-10-27. Review status: criteria provided, single submitter. Criteria: GeneDx Variant Classification (06012015). Collection method: clinical testing. Allele origin: germline. Affected: yes.
Comment: The c.3195_3196delTA pathogenic variant in the SCN1A gene has been reported previously as a denovo pathogenic variant in an individual with severe myoclonic epilepsy of infancy (SMEI) (Nabbout et al., 2003). The deletion causes a frameshift starting with codon Threonine 1066, changes this amino acid to a Serine residue, and creates a premature Stop codon at position 8 of the new reading frame, denoted p.Thr1066SerfsX8. This pathogenic variant is predicted to cause loss of normal protein function either through protein truncation or nonsense-mediated mRNA decay. Furthermore, the c.3195_3196delTA variant is not observed in large population cohorts (Lek et al., 2016). Therefore, the presence of c.3195_3196delTA is consistent with the diagnosis of an SCN1A-related disorder in this individual.

NM_001165963.4(SCN1A):c.3195_3196del (p.Thr1066fs)

Genes: SCN1A (sodium voltage-gated channel alpha subunit 1; minus strand), LOC102724058 (uncharacterized LOC102724058; plus strand). Cytogenetic location: 2q24.3.
Variant type: Deletion.
Coding change: c.3195_3196del on transcript NM_001165963.4 (MANE Select); coding-DNA positions 3195 to 3196, 2 bases deleted (TA; older notation c.3195_3196delTA).
Protein change: p.Thr1066fs; shifts the reading frame from threonine 1066.
Molecular consequence: frameshift variant. On other transcripts: non-coding transcript variant (2).
Genome position (GRCh38, 1-based): chr2:166,036,281-166,036,282, TA deleted on the plus strand (TA on the coding strand, the reverse complement: SCN1A is on the minus strand); deleting any 2 consecutive bases within chr2:166,036,281-166,036,283 gives the same sequence; the c. name uses the placement nearest the transcript's 3' end. VCF-style (leftmost placement, unchanged base first): chr2-166036280-GTA-G. GRCh37 (hg19) VCF-style: chr2-166892790-GTA-G.
Other names: c.3111_3112del, p.Thr1038fs (NM_001165964.3, NM_001353957.2, NM_001353958.2); c.3195_3196del, p.Thr1066fs (NM_001202435.3, NM_001353948.2); c.3162_3163del, p.Thr1055fs (NM_001353949.2, NM_001353950.2, NM_001353951.2 and 2 more transcripts); c.3159_3160del, p.Thr1054fs (NM_001353954.2, NM_001353955.2); c.3108_3109del, p.Thr1037fs (NM_001353960.2); c.753_754del, p.Thr252fs (NM_001353961.2); short protein forms T1054fs, T252fs, T1055fs, T1066fs, T1037fs, T1038fs.
Identifiers: ClinVar variation 449376 (VCV000449376.2), dbSNP rs1553540282, ClinGen allele CA658657104.
Genomic context (GRCh38, chr2:166,036,280, plus strand): 5'-ATACCACTTGTAGTTCCATTTACATCTTTAAGATAGTCAAGATCTTTCCCAATTTCTGCT[GTA>G]TGATTGGACATACAACTGTCTTTCTTGTTGTTTAGATCATCAAGTGGTTTAATTTCATCT-3'